The following is an entry in ClinVar:

ClinVar aggregate classification (germline): Uncertain significance (1 of 4 stars; one submission).

Submission:

Labcorp Genetics (formerly Invitae), Labcorp
Classification: Uncertain significance. Last evaluated: 2025-11-23. Review status: criteria provided, single submitter. Criteria: Invitae Variant Classification Sherloc (09022015). Collection method: clinical testing. Allele origin: germline.
Comment: This sequence change falls in intron 18 of the LZTR1 gene. It does not directly change the encoded amino acid sequence of the LZTR1 protein. This variant is not present in population databases (gnomAD no frequency). This variant has not been reported in the literature in individuals affected with LZTR1-related conditions. Algorithms developed to predict the effect of sequence changes on RNA splicing suggest that this variant may disrupt the consensus splice site. In summary, the available evidence is currently insufficient to determine the role of this variant in disease. Therefore, it has been classified as a Variant of Uncertain Significance.

NM_006767.4(LZTR1):c.2220-12A>C

Gene: LZTR1 (leucine zipper like post translational regulator 1; plus strand). Cytogenetic location: 22q11.21.
Variant type: single nucleotide variant.
Coding change: c.2220-12A>C on transcript NM_006767.4 (MANE Select); 12 bases into the intron before coding-DNA position 2220, A replaced by C.
Molecular consequence: intron variant.
Genome position (GRCh38, 1-based): chr22:20,996,684, A>C. VCF-style: chr22-20996684-A-C. GRCh37 (hg19) VCF-style: chr22-21350973-A-C.
Identifiers: ClinVar variation 4811712 (VCV004811712.1).